The following is an entry in ClinVar:

NM_001256545.2(MEGF10):c.417C>T (p.Cys139=)

Gene: MEGF10 (multiple EGF like domains 10; plus strand). Cytogenetic location: 5q23.2.
Variant type: single nucleotide variant.
Coding change: c.417C>T on transcript NM_001256545.2 (MANE Select); coding-DNA position 417, C replaced by T.
Protein change: p.Cys139=; no amino-acid change (cysteine 139 retained).
Molecular consequence: synonymous variant.
Genome position (GRCh38, 1-based): chr5:127,396,536, C>T. VCF-style: chr5-127396536-C-T. GRCh37 (hg19) VCF-style: chr5-126732228-C-T.
Other names: p.Cys139=; c.417C>T, p.Cys139= (NM_001308119.2, NM_001308121.2, NM_032446.3).
Identifiers: ClinVar variation 906424 (VCV000906424.8), dbSNP rs148349018, ClinGen allele CA3391282.
Genomic context (GRCh38, chr5:127,396,536, plus strand): 5'-AGAAATCTGGTTCTCCCTTACCCACTGATATCCACTGTTTCTCTCCTCAATCTCAGCCTG[C>T]GATGGTGATCACTGGGGTCCCCACTGCACCAGCCGGTGCCAGTGCAAAAATGGGGCTCTG-3'
Protein context (NP_001243474.1, residues 129-149): GWGGTNCSSA[Cys139=]DGDHWGPHCT

ClinVar aggregate classification (germline): Conflicting classifications of pathogenicity. Review status: criteria provided, conflicting classifications (1 of 4 stars). 3 submissions from 3 submitters: Uncertain significance (1); Likely benign (2). Last evaluated 2025-10-23.

Conditions:
MEGF10-related myopathy (CMYO10A). Also called: Congenital myopathy 10A, severe variant. Identifiers: Orphanet 439212, MedGen C3280679, MONDO:0013731, OMIM 614399.

Allele frequency attached by ClinVar (database versions not stated): gnomAD exomes 0.00002 and 0.00006; gnomAD 0.00006; TOPMed 0.00006; ExAC 0.00008; ESP Exome Variant Server 0.00016.
gnomAD v4.1: 32 of 1,539,002 alleles (0.0021%); highest among the groups gnomAD compares: East Asian, 0.037%; no homozygotes.

Submissions (3):

Mayo Clinic Laboratories, Mayo Clinic
Classification: Likely benign. Last evaluated: 2025-10-23. Review status: criteria provided, single submitter. Criteria: ACMG Guidelines, 2015. Collection method: clinical testing. Allele origin: germline. Observed: 1 variant allele.
Comment: BP4, BP7

Labcorp Genetics (formerly Invitae), Labcorp
Classification: Likely benign for MEGF10-related myopathy. Last evaluated: 2025-04-14. Review status: criteria provided, single submitter. Criteria: Invitae Variant Classification Sherloc (09022015). Collection method: clinical testing. Allele origin: germline.

Illumina Laboratory Services, Illumina
Classification: Uncertain significance for MEGF10-related myopathy. Last evaluated: 2018-01-12. Review status: criteria provided, single submitter. Criteria: ICSL Variant Classification Criteria 13 December 2019. Collection method: clinical testing. Allele origin: germline.